The following is an entry in ClinVar:

NM_001099289.3(SH3RF3):c.1252G>T (p.Ala418Ser)

Genes: RANBP2 (RAN binding protein 2; plus strand), SH3RF3 (SH3 domain containing ring finger 3; plus strand). Cytogenetic location: 2q13.
Variant type: single nucleotide variant.
Coding change: c.1252G>T on transcript NM_001099289.3 (MANE Select); coding-DNA position 1252, G replaced by T.
Protein change: p.Ala418Ser; replaces alanine 418 with serine.
Molecular consequence: missense variant.
Genome position (GRCh38, 1-based): chr2:109,398,896, G>T. VCF-style: chr2-109398896-G-T. GRCh37 (hg19) VCF-style: chr2-110015352-G-T.
Other names: short protein forms A418S.
Identifiers: ClinVar variation 3161409 (VCV003161409.1), dbSNP rs2467058548, ClinGen allele CA348058686.

ClinVar aggregate classification (germline): Uncertain significance (1 of 4 stars; one submission).

Submission:

Ambry Genetics
Classification: Uncertain significance. Last evaluated: 2023-11-20. Review status: criteria provided, single submitter. Criteria: Ambry Variant Classification Scheme 2023. Collection method: clinical testing. Allele origin: germline.
Comment: The c.1252G>T (p.A418S) alteration is located in exon (coding exon ) of the SH3RF3 gene. This alteration results from a G to T substitution at nucleotide position 1252, causing the alanine (A) at amino acid position 418 to be replaced by a serine (S). Based on insufficient or conflicting evidence, the clinical significance of this alteration remains unclear.